The following is an entry in ClinVar:

NM_002769.5(PRSS1):c.149G>C (p.Gly50Ala)

Genes: PRSS1 (serine protease 1; plus strand), TRB (T cell receptor beta locus; plus strand). Cytogenetic location: 7q34.
Variant type: single nucleotide variant.
Coding change: c.149G>C on transcript NM_002769.5 (MANE Select); coding-DNA position 149, G replaced by C.
Protein change: p.Gly50Ala; replaces glycine 50 with alanine.
Molecular consequence: missense variant. On other transcripts: non-coding transcript variant (4).
Genome position (GRCh38, 1-based): chr7:142,750,663, G>C. VCF-style: chr7-142750663-G-C. GRCh37 (hg19) VCF-style: chr7-142458514-G-C.
Other names: short protein forms G50A.
Identifiers: ClinVar variation 3222789 (VCV003222789.1), dbSNP rs1166804108, ClinGen allele CA369607406.

ClinVar aggregate classification (germline): Uncertain significance (1 of 4 stars; one submission).

Conditions:
Hereditary pancreatitis (PCTT). Also called: Hereditary chronic pancreatitis; PRSS1-Related Hereditary Pancreatitis. Identifiers: Orphanet 676, MedGen C0238339, MONDO:0008185, OMIM 167800.

Submission:

Ambry Genetics
Classification: Uncertain significance for Hereditary pancreatitis. Last evaluated: 2023-11-16. Review status: criteria provided, single submitter. Criteria: Ambry Variant Classification Scheme 2023. Collection method: clinical testing. Allele origin: germline.
Comment: The p.G50A variant (also known as c.149G>C), located in coding exon 2 of the PRSS1 gene, results from a G to C substitution at nucleotide position 149. The glycine at codon 50 is replaced by alanine, an amino acid with similar properties. This amino acid position is conserved. In addition, this alteration is predicted to be deleterious by in silico analysis. Since supporting evidence is limited at this time, the clinical significance of this alteration remains unclear.